The following is an entry in ClinVar:

NM_016239.4(MYO15A):c.2518C>A (p.Leu840Met)

Gene: MYO15A (myosin XVA; plus strand). Cytogenetic location: 17p11.2.
Variant type: single nucleotide variant.
Coding change: c.2518C>A on transcript NM_016239.4 (MANE Select); coding-DNA position 2518, C replaced by A.
Protein change: p.Leu840Met; replaces leucine 840 with methionine.
Molecular consequence: missense variant.
Genome position (GRCh38, 1-based): chr17:18,121,318, C>A. VCF-style: chr17-18121318-C-A. GRCh37 (hg19) VCF-style: chr17-18024632-C-A.
Other names: short protein forms L840M.
Identifiers: ClinVar variation 3401233 (VCV003401233.2).

ClinVar aggregate classification (germline): Uncertain significance. Review status: criteria provided, multiple submitters, no conflicts (2 of 4 stars). 2 submissions from 2 submitters: Uncertain significance (2). Last evaluated 2024-08-20.

Conditions:
Inborn genetic diseases. Identifiers: MedGen C0950123, MeSH D030342.

gnomAD v4.1: 81 of 1,352,328 alleles (0.006%); highest among the groups gnomAD compares: African/African-American, 0.12%; no homozygotes.

Submissions (2):

Ambry Genetics
Classification: Uncertain significance for Inborn genetic diseases. Last evaluated: 2024-08-20. Review status: criteria provided, single submitter. Criteria: Ambry Variant Classification Scheme 2023. Collection method: clinical testing. Allele origin: germline.

GeneDx
Classification: Uncertain significance. Last evaluated: 2024-07-25. Review status: criteria provided, single submitter. Criteria: GeneDx Variant Classification Process June 2021. Collection method: clinical testing. Allele origin: germline. Affected: yes.
Comment: In silico analysis indicates that this missense variant does not alter protein structure/function; Has not been previously published as pathogenic or benign to our knowledge